The following is an entry in ClinVar:

ClinVar aggregate classification (germline): Uncertain significance (1 of 4 stars; one submission).

Conditions:
Ehlers-Danlos syndrome, classic type, 1 (EDSCL1). Also called: EHLERS-DANLOS SYNDROME, GRAVIS TYPE; EHLERS-DANLOS SYNDROME, SEVERE CLASSIC TYPE; Ehlers-Danlos syndrome, type 1; Ehlers-Danlos Syndrome, Classic Type, COL5A1-Related; EDS I. Identifiers: MedGen C0268335, MONDO:0019567, OMIM 130000.

Allele frequency attached by ClinVar (database versions not stated): 1000 Genomes Project 30x 0.00016.

Submission:

Labcorp Genetics (formerly Invitae), Labcorp
Classification: Uncertain significance for Ehlers-Danlos syndrome, classic type, 1. Last evaluated: 2021-03-21. Review status: criteria provided, single submitter. Criteria: Invitae Variant Classification Sherloc (09022015). Collection method: clinical testing. Allele origin: germline.
Comment: This sequence change replaces proline with glutamine at codon 1115 of the COL5A1 protein (p.Pro1115Gln). The proline residue is highly conserved and there is a moderate physicochemical difference between proline and glutamine. In summary, the available evidence is currently insufficient to determine the role of this variant in disease. Therefore, it has been classified as a Variant of Uncertain Significance. Advanced modeling of protein sequence and biophysical properties (such as structural, functional, and spatial information, amino acid conservation, physicochemical variation, residue mobility, and thermodynamic stability) performed at Invitae indicates that this missense variant is not expected to disrupt COL5A1 protein function. This variant has not been reported in the literature in individuals with COL5A1-related conditions. This variant is not present in population databases (ExAC no frequency).

NM_000093.5(COL5A1):c.3344C>A (p.Pro1115Gln)

Gene: COL5A1 (collagen type V alpha 1 chain; plus strand). Cytogenetic location: 9q34.3.
Variant type: single nucleotide variant.
Coding change: c.3344C>A on transcript NM_000093.5 (MANE Select); coding-DNA position 3344, C replaced by A.
Protein change: p.Pro1115Gln; replaces proline 1115 with glutamine.
Molecular consequence: missense variant.
Genome position (GRCh38, 1-based): chr9:134,806,274, C>A. VCF-style: chr9-134806274-C-A. GRCh37 (hg19) VCF-style: chr9-137698120-C-A.
Other names: c.3344C>A, p.Pro1115Gln (NM_001278074.1); short protein forms P1115Q.
Identifiers: ClinVar variation 1426939 (VCV001426939.8), dbSNP rs139039658, ClinGen allele CA201081951.